The following is an entry in ClinVar:

ClinVar aggregate classification (germline): Conflicting classifications of pathogenicity. Review status: criteria provided, conflicting classifications (1 of 4 stars). 5 submissions from 5 submitters: Pathogenic (3); Likely pathogenic (1); Uncertain significance (1). Last evaluated 2026-07-28.

Conditions:
Harel-Yoon syndrome (HAYOS). Also called: Optic atrophy-peripheral neuropathy-developmental delay syndrome. Identifiers: Orphanet 496790, MedGen C4310677, MONDO:0014958, OMIM 617183.
Inborn genetic diseases. Identifiers: MedGen C0950123, MeSH D030342.

Submissions (5):

Ambry Genetics
Classification: Pathogenic for Inborn genetic diseases. Last evaluated: 2026-07-28. Review status: criteria provided, single submitter. Criteria: Ambry Variant Classification Scheme 2023. Collection method: clinical testing. Allele origin: germline.
Comment: The c.1505A>G (p.N502S) alteration is located in exon 14 (coding exon 14) of the ATAD3A gene. This alteration results from an A to G substitution at nucleotide position 1505, causing the asparagine (N) at amino acid position 502 to be replaced by a serine (S). for autosomal dominant Harel-Yoon syndrome; however, its clinical significance for autosomal recessive ATAD3A-related mitochondrial disorder is uncertain and it is unlikely to be causative of autosomal dominant 1p36.33 ATAD3A duplication syndrome. This variant was not reported in population-based cohorts in the Genome Aggregation Database (gnomAD). This variant was reported as heterozygous in individual(s) with features consistent with ATAD3A-related Harel-Yoon syndrome; in at least one individual, it was determined to be de novo (external communication). This amino acid position is highly conserved in available vertebrate species. The in silico prediction for this alteration is inconclusive. Based on the available evidence, this alteration is classified as pathogenic.

GeneDx
Classification: Pathogenic. Last evaluated: 2025-07-03. Review status: criteria provided, single submitter. Criteria: GeneDx Variant Classification Process June 2021. Collection method: clinical testing. Allele origin: germline. Affected: yes.
Comment: Not observed at significant frequency in large population cohorts (gnomAD); In silico analysis supports that this missense variant has a deleterious effect on protein structure/function; Has not been previously published as pathogenic or benign to our knowledge

Blueprint Genetics
Classification: Uncertain significance. Last evaluated: 2023-04-03. Review status: criteria provided, single submitter. Criteria: ACMG Guidelines, 2015. Collection method: clinical testing. Allele origin: germline.

Centre for Inherited Metabolic Diseases, Karolinska University Hospital
Classification: Likely pathogenic for Harel-Yoon syndrome. Last evaluated: 2022-10-10. Review status: criteria provided, single submitter. Criteria: ACMG Guidelines, 2015. Collection method: clinical testing. Allele origin: de novo. Inheritance: Autosomal dominant inheritance. Affected: yes. Observed: 1 heterozygote.

Mendelics
Classification: Pathogenic for Harel-Yoon syndrome. Last evaluated: 2022-05-04. Review status: criteria provided, single submitter. Criteria: Mendelics Assertion Criteria 2019. Collection method: clinical testing. Allele origin: germline.

NM_001170535.3(ATAD3A):c.1361A>G (p.Asn454Ser)

Gene: ATAD3A (ATPase family AAA domain containing 3A; plus strand). Cytogenetic location: 1p36.33.
Variant type: single nucleotide variant.
Coding change: c.1361A>G on transcript NM_001170535.3 (MANE Select); coding-DNA position 1361, A replaced by G.
Protein change: p.Asn454Ser; replaces asparagine 454 with serine.
Molecular consequence: missense variant.
Genome position (GRCh38, 1-based): chr1:1,527,718, A>G. VCF-style: chr1-1527718-A-G. GRCh37 (hg19) VCF-style: chr1-1463098-A-G.
Other names: c.1505A>G (NM_018188.3); c.1361A>G (NM_001170535.1); c.1124A>G, p.Asn375Ser (NM_001170536.3); c.1505A>G, p.Asn502Ser (NM_018188.5); short protein forms N375S, N454S, N502S.
Identifiers: ClinVar variation 1685550 (VCV001685550.7), dbSNP rs2100677960, ClinGen allele CA337860566.